The following is an entry in ClinVar:

ClinVar aggregate classification (germline): Uncertain significance (1 of 4 stars; one submission).

Allele frequency attached by ClinVar (database versions not stated): gnomAD exomes below 0.00001.

Submission:

Labcorp Genetics (formerly Invitae), Labcorp
Classification: Uncertain significance. Last evaluated: 2021-04-23. Review status: criteria provided, single submitter. Criteria: Invitae Variant Classification Sherloc (09022015). Collection method: clinical testing. Allele origin: germline.
Comment: In summary, the available evidence is currently insufficient to determine the role of this variant in disease. Therefore, it has been classified as a Variant of Uncertain Significance. Algorithms developed to predict the effect of missense changes on protein structure and function output the following: SIFT: "Tolerated"; PolyPhen-2: "Benign"; Align-GVGD: "Class C0". The isoleucine amino acid residue is found in multiple mammalian species, suggesting that this missense change does not adversely affect protein function. These predictions have not been confirmed by published functional studies and their clinical significance is uncertain. This variant has not been reported in the literature in individuals with SLC25A1-related conditions. This variant is not present in population databases (ExAC no frequency). This sequence change replaces valine with isoleucine at codon 280 of the SLC25A1 protein (p.Val280Ile). The valine residue is moderately conserved and there is a small physicochemical difference between valine and isoleucine.

NM_005984.5(SLC25A1):c.838G>A (p.Val280Ile)

Gene: SLC25A1 (solute carrier family 25 member 1; minus strand). Cytogenetic location: 22q11.21.
Variant type: single nucleotide variant.
Coding change: c.838G>A on transcript NM_005984.5 (MANE Select); coding-DNA position 838, G replaced by A.
Protein change: p.Val280Ile; replaces valine 280 with isoleucine.
Molecular consequence: missense variant. On other transcripts: non-coding transcript variant (1).
Genome position (GRCh38, 1-based): chr22:19,176,228, C>T on the plus strand (G>A on the coding strand, the complement: SLC25A1 is on the minus strand). VCF-style: chr22-19176228-C-T. GRCh37 (hg19) VCF-style: chr22-19163741-C-T.
Other names: c.859G>A, p.Val287Ile (NM_001256534.2); c.529G>A, p.Val177Ile (NM_001287387.2); short protein forms V280I, V287I, V177I.
Identifiers: ClinVar variation 1406260 (VCV001406260.8), dbSNP rs1234366257, ClinGen allele CA410634026.